The following is an entry in ClinVar:

NM_001384910.1(GUCA1A):c.295T>C (p.Tyr99His)

Genes: GUCA1A (guanylate cyclase activator 1A; plus strand), GUCA1ANB-GUCA1A (GUCA1ANB-GUCA1A readthrough; plus strand). Cytogenetic location: 6p21.1.
Variant type: single nucleotide variant.
Coding change: c.295T>C on transcript NM_001384910.1 (MANE Select); coding-DNA position 295, T replaced by C.
Protein change: p.Tyr99His; replaces tyrosine 99 with histidine.
Molecular consequence: missense variant.
Genome position (GRCh38, 1-based): chr6:42,178,373, T>C. VCF-style: chr6-42178373-T-C. GRCh37 (hg19) VCF-style: chr6-42146111-T-C.
Other names: c.295T>C, p.Tyr99His (NM_000409.5, NM_001319061.2, NM_001319062.2); short protein forms Y99H.
Identifiers: ClinVar variation 1346121 (VCV001346121.9), dbSNP rs1768016404, ClinGen allele CA364109143.

ClinVar aggregate classification (germline): Pathogenic/Likely pathogenic. Review status: criteria provided, multiple submitters, no conflicts (2 of 4 stars). 2 submissions from 2 submitters: Pathogenic (1); Likely pathogenic (1). Last evaluated 2022-10-13.

Conditions:
GUCA1A-related disorders.

Submissions (2):

Labcorp Genetics (formerly Invitae), Labcorp
Classification: Pathogenic. Last evaluated: 2022-10-13. Review status: criteria provided, single submitter. Criteria: Invitae Variant Classification Sherloc (09022015). Collection method: clinical testing. Allele origin: germline.
Comment: This missense change has been observed in individual(s) with clinical features of GUCA1A-related conditions (Invitae). In at least one individual the variant was observed to be de novo. For these reasons, this variant has been classified as Pathogenic. This variant disrupts the p.Tyr99 amino acid residue in GUCA1A. Other variant(s) that disrupt this residue have been determined to be pathogenic (PMID: 9425234, 28041643). This suggests that this residue is clinically significant, and that variants that disrupt this residue are likely to be disease-causing. Algorithms developed to predict the effect of missense changes on protein structure and function are either unavailable or do not agree on the potential impact of this missense change (SIFT: "Not Available"; PolyPhen-2: "Probably Damaging"; Align-GVGD: "Not Available"). ClinVar contains an entry for this variant (Variation ID: 1346121). This variant is not present in population databases (gnomAD no frequency). This sequence change replaces tyrosine, which is neutral and polar, with histidine, which is basic and polar, at codon 99 of the GUCA1A protein (p.Tyr99His).

Blueprint Genetics
Classification: Likely pathogenic for GUCA1A-related disorders. Last evaluated: 2020-01-02. Review status: criteria provided, single submitter. Criteria: ACMG Guidelines, 2015. Collection method: clinical testing. Allele origin: germline. Affected: yes. Observed: 3 variant alleles.

Literature cited by the submitters: PubMed 9425234 (cited by Labcorp Genetics (formerly Invitae), Labcorp); PubMed 28041643 (cited by Labcorp Genetics (formerly Invitae), Labcorp).